The following is an entry in ClinVar:

NM_001267550.2(TTN):c.80568T>A (p.Tyr26856Ter)

Genes: TTN-AS1 (TTN antisense RNA 1; plus strand), TTN (titin; minus strand). Cytogenetic location: 2q31.2.
Variant type: single nucleotide variant.
Coding change: c.80568T>A on transcript NM_001267550.2 (MANE Select); coding-DNA position 80568, T replaced by A.
Protein change: p.Tyr26856Ter; replaces tyrosine 26856 with a stop codon.
Molecular consequence: nonsense.
Genome position (GRCh38, 1-based): chr2:178,565,564, A>T on the plus strand (T>A on the coding strand, the complement: TTN is on the minus strand). VCF-style: chr2-178565564-A-T. GRCh37 (hg19) VCF-style: chr2-179430291-A-T.
Other names: c.75645T>A, p.Tyr25215Ter (NM_001256850.1); c.53373T>A, p.Tyr17791Ter (NM_003319.4); c.72864T>A, p.Tyr24288Ter (NM_133378.4); c.53748T>A, p.Tyr17916Ter (NM_133432.3); c.53949T>A, p.Tyr17983Ter (NM_133437.4); short protein forms Y17983*, Y25215*, Y26856*, Y17791*, Y17916*, Y24288*.
Identifiers: ClinVar variation 1484938 (VCV001484938.6), dbSNP rs769878576, ClinGen allele CA349587823.

ClinVar aggregate classification (germline): Likely pathogenic (1 of 4 stars; one submission).

Conditions:
Dilated cardiomyopathy 1G (CMD1G). Identifiers: Orphanet 154, MedGen C1858763, MONDO:0011400, OMIM 604145.
Autosomal recessive limb-girdle muscular dystrophy type 2J (LGMDR10). Also called: Limb-girdle muscular dystrophy, type 2J; MUSCULAR DYSTROPHY, LIMB-GIRDLE, AUTOSOMAL RECESSIVE 10. Identifiers: Orphanet 140922, MedGen C1837342, MONDO:0012127, OMIM 608807.

Submission:

Labcorp Genetics (formerly Invitae), Labcorp
Classification: Likely pathogenic for Dilated cardiomyopathy 1G; Autosomal recessive limb-girdle muscular dystrophy type 2J. Last evaluated: 2022-01-01. Review status: criteria provided, single submitter. Criteria: Invitae Variant Classification Sherloc (09022015). Collection method: clinical testing. Allele origin: germline.
Comment: In summary, the currently available evidence indicates that the variant is pathogenic, but additional data are needed to prove that conclusively. Therefore, this variant has been classified as Likely Pathogenic. This variant is located in the A band of TTN (PMID: 25589632). Truncating variants in this region are significantly overrepresented in patients affected with dilated cardiomyopathy (PMID: 25589632). Truncating variants in this region have also been reported in individuals affected with autosomal recessive centronuclear myopathy (PMID: 23975875). This variant has not been reported in the literature in individuals affected with TTN-related conditions. This variant is not present in population databases (gnomAD no frequency). This sequence change creates a premature translational stop signal (p.Tyr26856*) in the TTN gene. While this is not anticipated to result in nonsense mediated decay, it is expected to create a truncated TTN protein.

Literature cited by the submitters: PubMed 25589632; PubMed 23975875.